The following is an entry in ClinVar:

ClinVar aggregate classification (germline): Uncertain significance (1 of 4 stars; one submission).

Allele frequency attached by ClinVar (database versions not stated): gnomAD exomes below 0.00001; ExAC 0.00001.
gnomAD v4.1: 2 of 1,604,906 alleles (0.00012%); highest among the groups gnomAD compares: Non-Finnish European, 0.00017%; no homozygotes.

Submission:

Labcorp Genetics (formerly Invitae), Labcorp
Classification: Uncertain significance. Last evaluated: 2020-10-06. Review status: criteria provided, single submitter. Criteria: Invitae Variant Classification Sherloc (09022015). Collection method: clinical testing. Allele origin: germline.
Comment: This sequence change replaces glycine with alanine at codon 1199 of the TUBGCP6 protein (p.Gly1199Ala). The glycine residue is weakly conserved and there is a small physicochemical difference between glycine and alanine. This variant is present in population databases (rs761638195, ExAC 0.01%). This variant has not been reported in the literature in individuals with TUBGCP6-related conditions. Algorithms developed to predict the effect of missense changes on protein structure and function are either unavailable or do not agree on the potential impact of this missense change (SIFT: "Not Available"; PolyPhen-2: "Probably Damaging"; Align-GVGD: "Class C0"). In summary, the available evidence is currently insufficient to determine the role of this variant in disease. Therefore, it has been classified as a Variant of Uncertain Significance.

NM_020461.4(TUBGCP6):c.3596G>C (p.Gly1199Ala)

Gene: TUBGCP6 (tubulin gamma complex component 6; minus strand). Cytogenetic location: 22q13.33.
Variant type: single nucleotide variant.
Coding change: c.3596G>C on transcript NM_020461.4 (MANE Select); coding-DNA position 3596, G replaced by C.
Protein change: p.Gly1199Ala; replaces glycine 1199 with alanine.
Molecular consequence: missense variant.
Genome position (GRCh38, 1-based): chr22:50,220,763, C>G on the plus strand (G>C on the coding strand, the complement: TUBGCP6 is on the minus strand). VCF-style: chr22-50220763-C-G. GRCh37 (hg19) VCF-style: chr22-50659192-C-G.
Other names: short protein forms G1199A.
Identifiers: ClinVar variation 1008997 (VCV001008997.8), dbSNP rs761638195, ClinGen allele CA10307892.